The following is an entry in ClinVar:

NM_001134407.3(GRIN2A):c.914C>G (p.Ser305Cys)

Gene: GRIN2A (glutamate ionotropic receptor NMDA type subunit 2A; minus strand). Cytogenetic location: 16p13.2.
Variant type: single nucleotide variant.
Coding change: c.914C>G on transcript NM_001134407.3 (MANE Select); coding-DNA position 914, C replaced by G.
Protein change: p.Ser305Cys; replaces serine 305 with cysteine.
Molecular consequence: missense variant.
Genome position (GRCh38, 1-based): chr16:9,938,052, G>C on the plus strand (C>G on the coding strand, the complement: GRIN2A is on the minus strand). VCF-style: chr16-9938052-G-C. GRCh37 (hg19) VCF-style: chr16-10031909-G-C.
Other names: c.914C>G, p.Ser305Cys (NM_000833.5, NM_001134408.2); short protein forms S305C.
Identifiers: ClinVar variation 657824 (VCV000657824.7), dbSNP rs1596344343, ClinGen allele CA394798231.
Genomic context (GRCh38, chr16:9,938,052, plus strand): 5'-TCCATCTGCCCGTAGCAGCTGGCCTTGGCCTCGGGGATGTAGGAGAACTTCTCCAGCATA[G>C]AAGATGCAGCGGTGGTTAGGATGCCAATGCCGTCCCTCACTCTCGCCTCCAGGCTGTAGT-3'
Protein context (NP_001127879.1, residues 295-315): GIGILTTAAS[Ser305Cys]MLEKFSYIPE

ClinVar aggregate classification (germline): Uncertain significance. Review status: criteria provided, multiple submitters, no conflicts (2 of 4 stars). 2 submissions from 2 submitters: Uncertain significance (2). Last evaluated 2024-10-27.

Conditions:
Landau-Kleffner syndrome (FESD). Also called: EPILEPSY, FOCAL, WITH SPEECH DISORDER AND WITH OR WITHOUT MENTAL RETARDATION; APHASIA, ACQUIRED, WITH EPILEPSY. Identifiers: Orphanet 1945, Orphanet 725, Orphanet 98818, MedGen C0282512, MONDO:0009509, OMIM 245570.

Allele frequency attached by ClinVar (database versions not stated): gnomAD exomes 0.00001.
gnomAD v4.1: 6 of 1,614,100 alleles (0.00037%); highest among the groups gnomAD compares: Middle Eastern, 0.099%; no homozygotes.

Submissions (2):

Labcorp Genetics (formerly Invitae), Labcorp
Classification: Uncertain significance for Landau-Kleffner syndrome. Last evaluated: 2024-10-27. Review status: criteria provided, single submitter. Criteria: Invitae Variant Classification Sherloc (09022015). Collection method: clinical testing. Allele origin: germline.
Comment: This sequence change replaces serine, which is neutral and polar, with cysteine, which is neutral and slightly polar, at codon 305 of the GRIN2A protein (p.Ser305Cys). This variant is not present in population databases (gnomAD no frequency). This variant has not been reported in the literature in individuals affected with GRIN2A-related conditions. ClinVar contains an entry for this variant (Variation ID: 657824). Invitae Evidence Modeling of protein sequence and biophysical properties (such as structural, functional, and spatial information, amino acid conservation, physicochemical variation, residue mobility, and thermodynamic stability) has been performed for this missense variant. However, the output from this modeling did not meet the statistical confidence thresholds required to predict the impact of this variant on GRIN2A protein function. In summary, the available evidence is currently insufficient to determine the role of this variant in disease. Therefore, it has been classified as a Variant of Uncertain Significance.

Revvity Omics, Revvity
Classification: Uncertain significance for Landau-Kleffner syndrome. Last evaluated: 2022-08-09. Review status: criteria provided, single submitter. Criteria: ACMG Guidelines, 2015. Collection method: clinical testing. Allele origin: germline.